The following is an entry in ClinVar:

NM_019032.6(ADAMTSL4):c.1603A>C (p.Ile535Leu)

Genes: ADAMTSL4 (ADAMTS like 4; plus strand), ADAMTSL4-AS2 (ADAMTSL4 antisense RNA 2; minus strand). Cytogenetic location: 1q21.2.
Variant type: single nucleotide variant.
Coding change: c.1603A>C on transcript NM_019032.6 (MANE Select); coding-DNA position 1603, A replaced by C.
Protein change: p.Ile535Leu; replaces isoleucine 535 with leucine.
Molecular consequence: missense variant.
Genome position (GRCh38, 1-based): chr1:150,556,647, A>C. VCF-style: chr1-150556647-A-C. GRCh37 (hg19) VCF-style: chr1-150529123-A-C.
Other names: c.1672A>C, p.Ile558Leu (NM_001288607.2, NM_001288608.2); c.1603A>C, p.Ile535Leu (NM_001378596.1, NM_025008.5); c.1603A>C (NM_019032.5); short protein forms I535L, I558L.
Identifiers: ClinVar variation 1482941 (VCV001482941.6), dbSNP rs202041000, ClinGen allele CA1078343.

ClinVar aggregate classification (germline): Uncertain significance. Review status: criteria provided, multiple submitters, no conflicts (2 of 4 stars). 3 submissions from 3 submitters: Uncertain significance (2). 1 of the submissions does not count toward it. Last evaluated 2025-01-13.

Conditions:
ADAMTSL4-related disorder. Also called: ADAMTSL4-related condition; ADAMTSL4-Related Disorders.

Allele frequency attached by ClinVar (database versions not stated): ExAC 0.00012; gnomAD 0.00014; 1000 Genomes Project 0.00020; TOPMed 0.00029; 1000 Genomes Project 30x 0.00031.
gnomAD v4.1: 196 of 1,614,002 alleles (0.012%); highest among the groups gnomAD compares: Admixed American, 0.058%; no homozygotes.

Submissions (3):

Labcorp Genetics (formerly Invitae), Labcorp
Classification: Uncertain significance. Last evaluated: 2025-01-13. Review status: criteria provided, single submitter. Criteria: Invitae Variant Classification Sherloc (09022015). Collection method: clinical testing. Allele origin: germline.
Comment: This sequence change replaces isoleucine, which is neutral and non-polar, with leucine, which is neutral and non-polar, at codon 535 of the ADAMTSL4 protein (p.Ile535Leu). This variant is present in population databases (rs202041000, gnomAD 0.2%). This variant has not been reported in the literature in individuals affected with ADAMTSL4-related conditions. ClinVar contains an entry for this variant (Variation ID: 1482941). Invitae Evidence Modeling of protein sequence and biophysical properties (such as structural, functional, and spatial information, amino acid conservation, physicochemical variation, residue mobility, and thermodynamic stability) indicates that this missense variant is not expected to disrupt ADAMTSL4 protein function with a negative predictive value of 80%. In summary, the available evidence is currently insufficient to determine the role of this variant in disease. Therefore, it has been classified as a Variant of Uncertain Significance.

Blueprint Genetics
Classification: Uncertain significance. Last evaluated: 2024-09-10. Review status: criteria provided, single submitter. Criteria: ACMG Guidelines, 2015. Collection method: clinical testing. Allele origin: germline.

PreventionGenetics, part of Exact Sciences
Classification: Likely benign for ADAMTSL4-related condition. Last evaluated: 2024-04-18. Review status: no assertion criteria provided. Collection method: clinical testing. Allele origin: germline. Not counted in ClinVar's aggregate classification.
Comment: This variant is classified as likely benign based on ACMG/AMP sequence variant interpretation guidelines (Richards et al. 2015 PMID: 25741868, with internal and published modifications).